The following continues an entry in ClinVar:

NM_004977.3(KCNC3):c.1268G>A (p.Arg423His)

Gene: KCNC3. ClinVar aggregate classification (germline): Pathogenic. Pathogenic (19).

Submissions 10 to 23 of 23:

Ambry Genetics
Classification: Pathogenic for Inborn genetic diseases. Last evaluated: 2021-11-16. Review status: criteria provided, single submitter. Criteria: Ambry Variant Classification Scheme 2023. Collection method: clinical testing. Allele origin: germline.
Comment: The c.1268G>A (p.R423H) alteration is located in exon 2 (coding exon 2) of the KCNC3 gene. This alteration results from a G to A substitution at nucleotide position 1268, causing the arginine (R) at amino acid position 423 to be replaced by a histidine (H). This variant was not reported in population-based cohorts in the Genome Aggregation Database (gnomAD). This alteration has been reported in multiple unrelated patients with early-onset slowly-progressive ataxia (Figueroa, 2010; Duarri, 2015; Khare, 2017). This amino acid position is highly conserved in available vertebrate species. The p.R423H alteration has been shown in multiple independent studies to negatively affect Kv3.3 channel functioning by suppressing current amplitude (Figueroa, 2010), significantly altering gating (Minassian, 2012), or resulting in altered glycosylation and aberrant retention of the mutant channels in the anterograde and/or endosomal vesicles instead of at the plasma membrane (Khare, 2017). This alteration is predicted to be deleterious by in silico analysis. Based on the available evidence, this alteration is classified as pathogenic.

Institute of Medical Genetics and Applied Genomics, University Hospital Tübingen
Classification: Pathogenic. Last evaluated: 2021-09-15. Review status: criteria provided, single submitter. Criteria: ACMG Guidelines, 2015. Collection method: clinical testing. Allele origin: germline. Inheritance: Autosomal dominant inheritance. Affected: yes.

Genetic Services Laboratory, University of Chicago
Classification: Pathogenic. Last evaluated: 2021-02-17. Review status: criteria provided, single submitter. Criteria: ACMG Guidelines, 2015. Collection method: clinical testing. Allele origin: germline. Affected: yes.
Comment: DNA sequence analysis of the KCNC3 gene demonstrated a sequence change, c.1268G>A, in exon 2 that results in an amino acid change, p.Arg423His. This sequence change is absent in the gnomAD population database. This sequence change has been previously described in individuals and families with ataxia or spinocerebellar ataxia 13 (PMIDs: 19953606, 25756792, 28467418, 28216058). The p.Arg423His change affects a highly conserved amino acid residue located in the S4 transmembrane segment of the KCNC3 protein. It appears to be deleterious using several in-silico pathogenicity prediction tools (SIFT, PolyPhen2, Align GVGD, REVEL). Functional studies show p.Arg423His disrupts the channel activity of the KCNC3 protein and demonstrates a dominant-negative effect (PMIDs: 19953606, 25756792, 28467418). These collective evidences suggest this p.Arg423His change is pathogenic.

Molecular Medicine for Neurodegenerative and Neuromuscular Diseases Unit, IRCCS Fondazione Stella Maris
Classification: Pathogenic for Spinocerebellar ataxia type 13. Last evaluated: 2021-01-04. Review status: criteria provided, single submitter. Criteria: ACMG Guidelines, 2015. Collection method: research. Allele origin: de novo. Affected: yes.

Molecular Genetics, Royal Melbourne Hospital
Classification: Pathogenic for Spinocerebellar ataxia type 13. Last evaluated: 2020-10-30. Review status: criteria provided, single submitter. Criteria: ACMG Guidelines, 2015. Collection method: clinical testing. Allele origin: germline. Affected: yes.
Comment: This sequence change is predicted to replace arginine with histidine at codon 423 of the KCNC3 protein (p.(Arg423His)). The arginine residue is invariant across species (100 vertebrates, UCSC), and is located in the S4 transmembrane segment in the ion transport domain. There is a small physicochemical difference between arginine and histidine. The variant is absent in a large population cohort (rs797044872, gnomAD v2.1 and v3.0). This variant has been identified in multiple individuals with early-onset non-progressive spinocerebellar ataxia, with at least two individuals assumed de novo (PMID: 19953606 , 25756792, 28216058, 28467418). The variant segregates with affected status in multiple families (PMID: 19953606, 28216058, 28467418). A zebrafish model of the variant recapitulates the cerebellar degeneration, and demonstrated differential affects on Purkinje cell excitability, maturation, and viability to an adult-onset associated variant (PMID: 32644043). Multiple lines of computational evidence predict a deleterious effect for the missense substitution (5/5 algorithms). Based on the classification scheme RMH Modified ACMG Guidelines v1.3.0, this variant is classified as PATHOGENIC. Following criteria are met: PS3, PM6_Strong, PP1_Strong, PS4_Moderate, PM2_Supporting, PP3.

CeGaT Center for Human Genetics Tuebingen
Classification: Pathogenic. Last evaluated: 2019-12-01. Review status: criteria provided, single submitter. Criteria: CeGaT Center For Human Genetics Tuebingen Variant Classification Criteria Version 2. Collection method: clinical testing. Allele origin: germline. Affected: yes. Observed: 4 variant alleles.

Blueprint Genetics
Classification: Pathogenic for KCNC3-related disorders. Last evaluated: 2019-09-21. Review status: criteria provided, single submitter. Criteria: ACMG Guidelines, 2015. Collection method: clinical testing. Allele origin: germline. Affected: yes. Observed: 3 variant alleles.

Institute of Human Genetics, University of Leipzig Medical Center
Classification: Pathogenic for Spinocerebellar ataxia type 13. Last evaluated: 2018-11-15. Review status: criteria provided, single submitter. Criteria: ACMG Guidelines, 2015. Collection method: clinical testing. Allele origin: germline. Affected: yes. Observed: 1 variant allele.

Athena Diagnostics
Classification: Pathogenic. Last evaluated: 2018-04-04. Review status: criteria provided, single submitter. Criteria: Athena Diagnostics Criteria. Collection method: clinical testing. Allele origin: germline.

Genome Diagnostics Laboratory, University Medical Center Utrecht
Classification: Pathogenic for Spinocerebellar ataxia type 13. Last evaluated: 2014-10-08. Review status: criteria provided, single submitter. Criteria: ACGS Guidelines, 2013. Collection method: clinical testing. Allele origin: germline. Affected: yes. Study: VKGL Data-share Consensus.

O&I group, Department of Genetics, University Medical Center of Groningen
Classification: Pathogenic for Spinocerebellar ataxia type 13. Last evaluated: 2021-07-22. Review status: no assertion criteria provided. Collection method: research. Allele origin: inherited. Affected: yes. Not counted in ClinVar's aggregate classification.

Diagnostic Laboratory, Department of Genetics, University Medical Center Groningen
Classification: Pathogenic for Spinocerebellar ataxia type 13. Review status: no assertion criteria provided. Collection method: clinical testing. Allele origin: germline. Affected: yes. Study: VKGL Data-share Consensus. Not counted in ClinVar's aggregate classification.

Genome Diagnostics Laboratory, Amsterdam University Medical Center
Classification: Pathogenic. Review status: no assertion criteria provided. Collection method: clinical testing. Allele origin: germline. Affected: yes. Study: VKGL Data-share Consensus. Not counted in ClinVar's aggregate classification.

Joint Genome Diagnostic Labs from Nijmegen and Maastricht, Radboudumc and MUMC+
Classification: Pathogenic. Review status: no assertion criteria provided. Collection method: clinical testing. Allele origin: germline. Affected: yes. Study: VKGL Data-share Consensus. Not counted in ClinVar's aggregate classification.

Literature cited by the submitters: PubMed 19953606 (cited by 7 submitters); PubMed 25756792 (cited by 7 submitters); PubMed 28467418 (cited by 7 submitters); PubMed 22289912 (cited by 5 submitters); PubMed 21479265 (cited by Victorian Clinical Genetics Services, Murdoch Childrens Research Institute); PubMed 26442672 (cited by Victorian Clinical Genetics Services, Murdoch Childrens Research Institute); PubMed 30862666 (cited by Victorian Clinical Genetics Services, Murdoch Childrens Research Institute); PubMed 21543613 (cited by Victorian Clinical Genetics Services, Murdoch Childrens Research Institute); PubMed 20301404 (cited by Victorian Clinical Genetics Services, Murdoch Childrens Research Institute); PubMed 28216058 (cited by Molecular Genetics, Royal Melbourne Hospital and Athena Diagnostics); PubMed 32644043 (cited by Molecular Genetics, Royal Melbourne Hospital); PubMed 23734863 (cited by Athena Diagnostics); DOI 10.3389/fgene.2022.782685 (cited by O&I group, Department of Genetics, University Medical Center of Groningen).